The following is an entry in ClinVar:

ClinVar aggregate classification (germline): Uncertain significance (1 of 4 stars; one submission).

Conditions:
Developmental and epileptic encephalopathy, 53. Also called: Epileptic encephalopathy, early infantile, 53. Identifiers: MedGen C4479313, MONDO:0033362, OMIM 617389.
Early-onset Parkinson disease 20. Also called: PARKINSON DISEASE 20, AUTOSOMAL RECESSIVE EARLY-ONSET. Identifiers: Orphanet 391411, MedGen C3809824, MONDO:0014233, OMIM 615530.

Allele frequency attached by ClinVar (database versions not stated): ExAC 0.00001; gnomAD exomes 0.00001.

Submission:

Labcorp Genetics (formerly Invitae), Labcorp
Classification: Uncertain significance for Developmental and epileptic encephalopathy, 53; Early-onset Parkinson disease 20. Last evaluated: 2022-07-19. Review status: criteria provided, single submitter. Criteria: Invitae Variant Classification Sherloc (09022015). Collection method: clinical testing. Allele origin: germline.
Comment: In summary, the available evidence is currently insufficient to determine the role of this variant in disease. Therefore, it has been classified as a Variant of Uncertain Significance. Algorithms developed to predict the effect of missense changes on protein structure and function output the following: SIFT: "Tolerated"; PolyPhen-2: "Benign"; Align-GVGD: "Class C0". The proline amino acid residue is found in multiple mammalian species, which suggests that this missense change does not adversely affect protein function. ClinVar contains an entry for this variant (Variation ID: 1477558). This variant has not been reported in the literature in individuals affected with SYNJ1-related conditions. This variant is present in population databases (rs766434591, gnomAD 0.002%). This sequence change replaces serine, which is neutral and polar, with proline, which is neutral and non-polar, at codon 1380 of the SYNJ1 protein (p.Ser1380Pro).

NM_203446.3(SYNJ1):c.*109T>C

Gene: SYNJ1 (synaptojanin 1; minus strand). Cytogenetic location: 21q22.11.
Variant type: single nucleotide variant.
Coding change: c.*109T>C on transcript NM_203446.3 (MANE Select); 109 bases downstream of the stop codon, T replaced by C.
Molecular consequence: 3 prime UTR variant. On other transcripts: missense variant (2).
Genome position (GRCh38, 1-based): chr21:32,631,696, A>G on the plus strand (T>C on the coding strand, the complement: SYNJ1 is on the minus strand). VCF-style: chr21-32631696-A-G. GRCh37 (hg19) VCF-style: chr21-34004006-A-G.
Other names: c.*109T>C (NM_001160302.2); c.3880T>C, p.Ser1294Pro (NM_001160306.2); c.4138T>C, p.Ser1380Pro (NM_003895.4); short protein forms S1294P, S1380P.
Identifiers: ClinVar variation 1477558 (VCV001477558.8), dbSNP rs766434591, ClinGen allele CA10003175.
Genomic context (GRCh38, chr21:32,631,696, plus strand): 5'-CAGAAGGCAACTGAATCAACCTCTTTGGGTCTGGGGTGGGAACAGGTGACGTTTGAACAG[A>G]TAGCTGAGCCTTTGATACAGCAAGCAGATTAAATGACAGATCTTCAAATGGGTCAATCTT-3'